The following is an entry in ClinVar:

ClinVar aggregate classification (germline): Pathogenic. Review status: criteria provided, multiple submitters, no conflicts (2 of 4 stars). 2 submissions from 2 submitters: Pathogenic (2). Last evaluated 2023-12-01.

Conditions:
Glucocorticoid deficiency with achalasia (AAAS). Also called: Addisonian achalasia syndrome; ALACRIMA-ACHALASIA-ADRENAL INSUFFICIENCY NEUROLOGIC DISORDER; AAA syndrome; Allgrove syndrome; Achalasia-addisonianism-alacrimia syndrome; Achalasia-Addisonianism-Alacrima (Triple-A) Syndrome. Identifiers: Orphanet 869, MedGen C0271742, MONDO:0009279, OMIM 231550.

Allele frequency attached by ClinVar (database versions not stated): gnomAD exomes below 0.00001; TOPMed below 0.00001; ExAC 0.00001; gnomAD 0.00001.
gnomAD v4.1: 7 of 1,613,946 alleles (0.00043%); highest among the groups gnomAD compares: Non-Finnish European, 0.00051%; no homozygotes.

Submissions (2):

Labcorp Genetics (formerly Invitae), Labcorp
Classification: Pathogenic. Last evaluated: 2023-12-01. Review status: criteria provided, single submitter. Criteria: Invitae Variant Classification Sherloc (09022015). Collection method: clinical testing. Allele origin: germline.
Comment: This sequence change creates a premature translational stop signal (p.Arg119*) in the AAAS gene. It is expected to result in an absent or disrupted protein product. Loss-of-function variants in AAAS are known to be pathogenic (PMID: 11159947). This variant is present in population databases (rs754078574, gnomAD 0.0009%). This premature translational stop signal has been observed in individual(s) with triple A syndrome and/or Allgrove syndrome (PMID: 12548737, 15516781). This variant is also known as c.437C>T. Algorithms developed to predict the effect of sequence changes on RNA splicing suggest that this variant may disrupt the consensus splice site. For these reasons, this variant has been classified as Pathogenic.

Women's Health and Genetics/Laboratory Corporation of America, LabCorp
Classification: Pathogenic for Glucocorticoid deficiency with achalasia. Last evaluated: 2023-08-09. Review status: criteria provided, single submitter. Criteria: LabCorp Variant Classification Summary - May 2015. Collection method: clinical testing. Allele origin: germline.
Comment: Variant summary: AAAS c.355C>T (p.Arg119X) results in a premature termination codon, predicted to cause a truncation of the encoded protein or absence of the protein due to nonsense mediated decay, which are commonly known mechanisms for disease. Variants downstream of this position have been classified as pathogenic in ClinVar. The variant allele was found at a frequency of 4e-06 in 250798 control chromosomes (gnomAD). c.355C>T has been reported in the literature in individuals affected with Allgrove syndrome/ Triple A syndrome (examples: Kinjo_2004 and Reshmi-Skarja_2003). These data indicate that the variant is likely to be associated with disease. The following publications have been ascertained in the context of this evaluation (PMID: 5516781, 12548737). No submitters have cited clinical-significance assessments for this variant to ClinVar after 2014. Based on the evidence outlined above, the variant was classified as pathogenic.

Literature cited by the submitters: PubMed 11159947 (cited by Labcorp Genetics (formerly Invitae), Labcorp); PubMed 12548737 (cited by Labcorp Genetics (formerly Invitae), Labcorp and Women's Health and Genetics/Laboratory Corporation of America, LabCorp); PubMed 15516781 (cited by Labcorp Genetics (formerly Invitae), Labcorp and Women's Health and Genetics/Laboratory Corporation of America, LabCorp).

NM_015665.6(AAAS):c.355C>T (p.Arg119Ter)

Gene: AAAS (aladin WD repeat nucleoporin; minus strand). Cytogenetic location: 12q13.13.
Variant type: single nucleotide variant.
Coding change: c.355C>T on transcript NM_015665.6 (MANE Select); coding-DNA position 355, C replaced by T.
Protein change: p.Arg119Ter; replaces arginine 119 with a stop codon.
Molecular consequence: nonsense.
Genome position (GRCh38, 1-based): chr12:53,315,379, G>A on the plus strand (C>T on the coding strand, the complement: AAAS is on the minus strand). VCF-style: chr12-53315379-G-A. GRCh37 (hg19) VCF-style: chr12-53709163-G-A.
Other names: c.355C>T, p.Arg119Ter (NM_001173466.2); short protein forms R119*.
Identifiers: ClinVar variation 2581608 (VCV002581608.4), dbSNP rs754078574, ClinGen allele CA6599257.